The following is an entry in ClinVar:

ClinVar aggregate classification (germline): Uncertain significance (1 of 4 stars; one submission).

Conditions:
Pheochromocytoma. Also called: MAX-Related Hereditary Paraganglioma-Pheochromocytoma Syndrome. Identifiers: Orphanet 29072, MedGen C0031511, MONDO:0008233, OMIM 171300, HP:0002666.
Pheochromocytoma/paraganglioma syndrome 4. Also called: CAROTID BODY TUMORS AND MULTIPLE EXTRAADRENAL PHEOCHROMOCYTOMAS; SDHB-Related Hereditary Paraganglioma-Pheochromocytoma Syndrome (Paragangliomas 4); SDHB-Related Hereditary Paraganglioma-Pheochromocytoma Syndrome; PARAGANGLIOMA, FAMILIAL MALIGNANT; PARAGANGLIOMAS, HEREDITARY EXTRAADRENAL; PHEOCHROMOCYTOMA, FAMILIAL EXTRAADRENAL. Identifiers: Orphanet 29072, MedGen C1861848, MONDO:0007273, OMIM 115310.
Gastrointestinal stromal tumor. Also called: Gastrointestinal stroma tumor; Gastrointestinal stromal tumor, somatic. Identifiers: Orphanet 44890, MedGen C0238198, MeSH D046152, MONDO:0011719, OMIM 606764, HP:0100723.

Submission:

Labcorp Genetics (formerly Invitae), Labcorp
Classification: Uncertain significance for Gastrointestinal stromal tumor; Pheochromocytoma/paraganglioma syndrome 4; Pheochromocytoma. Last evaluated: 2022-04-15. Review status: criteria provided, single submitter. Criteria: Invitae Variant Classification Sherloc (09022015). Collection method: clinical testing. Allele origin: germline.
Comment: In summary, the available evidence is currently insufficient to determine the role of this variant in disease. Therefore, it has been classified as a Variant of Uncertain Significance. Advanced modeling of protein sequence and biophysical properties (such as structural, functional, and spatial information, amino acid conservation, physicochemical variation, residue mobility, and thermodynamic stability) performed at Invitae indicates that this missense variant is not expected to disrupt SDHB protein function. This variant has not been reported in the literature in individuals affected with SDHB-related conditions. This variant is not present in population databases (gnomAD no frequency). This sequence change replaces tyrosine, which is neutral and polar, with histidine, which is basic and polar, at codon 170 of the SDHB protein (p.Tyr170His).

NM_003000.3(SDHB):c.508T>C (p.Tyr170His)

Gene: SDHB (succinate dehydrogenase complex iron sulfur subunit B; minus strand). Cytogenetic location: 1p36.13.
Variant type: single nucleotide variant.
Coding change: c.508T>C on transcript NM_003000.3 (MANE Select); coding-DNA position 508, T replaced by C.
Protein change: p.Tyr170His; replaces tyrosine 170 with histidine.
Molecular consequence: missense variant.
Genome position (GRCh38, 1-based): chr1:17,027,781, A>G on the plus strand (T>C on the coding strand, the complement: SDHB is on the minus strand). VCF-style: chr1-17027781-A-G. GRCh37 (hg19) VCF-style: chr1-17354276-A-G.
Other names: c.454T>C, p.Tyr152His (NM_001407361.1); short protein forms Y170H, Y152H.
Identifiers: ClinVar variation 2126198 (VCV002126198.4), dbSNP rs2525017624, ClinGen allele CA338272599.